The following is an entry in ClinVar:

NM_001303256.3(MORC2):c.3063C>T (p.Asp1021=)

Gene: MORC2 (MORC family CW-type zinc finger 2; minus strand). Cytogenetic location: 22q12.2.
Variant type: single nucleotide variant.
Coding change: c.3063C>T on transcript NM_001303256.3 (MANE Select); coding-DNA position 3063, C replaced by T.
Protein change: p.Asp1021=; no amino-acid change (aspartic acid 1021 retained).
Molecular consequence: synonymous variant.
Genome position (GRCh38, 1-based): chr22:30,926,839, G>A on the plus strand (C>T on the coding strand, the complement: MORC2 is on the minus strand). VCF-style: chr22-30926839-G-A. GRCh37 (hg19) VCF-style: chr22-31322826-G-A.
Other names: c.3054C>T, p.Asp1018= (NM_001303257.2); c.2877C>T, p.Asp959= (NM_014941.3); c.3063C>T (NM_001303256.2).
Identifiers: ClinVar variation 475593 (VCV000475593.12), dbSNP rs138812699, ClinGen allele CA10186461.

ClinVar aggregate classification (germline): Likely benign. Review status: criteria provided, multiple submitters, no conflicts (2 of 4 stars). 2 submissions from 2 submitters: Likely benign (2). Last evaluated 2026-01-21.

Conditions:
MORC2-related disorder. Also called: MORC2-related condition.
Charcot-Marie-Tooth disease axonal type 2Z. Also called: CHARCOT-MARIE-TOOTH DISEASE, AXONAL, AUTOSOMAL DOMINANT, TYPE 2Z; CHARCOT-MARIE-TOOTH NEUROPATHY, TYPE 2Z. Identifiers: Orphanet 466768, MedGen C5569025, MONDO:0014736, OMIM 616688.

Allele frequency attached by ClinVar (database versions not stated): gnomAD 0.00019 and 0.00020; TOPMed 0.00024; ESP Exome Variant Server 0.00038; 1000 Genomes Project 0.00040; 1000 Genomes Project 30x 0.00062; gnomAD exomes 0.00003 and 0.00006; ExAC 0.00007.
gnomAD v4.1: 73 of 1,613,660 alleles (0.0045%); highest among the groups gnomAD compares: African/African-American, 0.056%; no homozygotes.

Submissions (2):

Labcorp Genetics (formerly Invitae), Labcorp
Classification: Likely benign for Charcot-Marie-Tooth disease axonal type 2Z. Last evaluated: 2026-01-21. Review status: criteria provided, single submitter. Criteria: Invitae Variant Classification Sherloc (09022015). Collection method: clinical testing. Allele origin: germline.

PreventionGenetics, part of Exact Sciences
Classification: Likely benign for MORC2-related condition. Last evaluated: 2025-10-22. Review status: criteria provided, single submitter. Criteria: ACMG Guidelines, 2015. Collection method: clinical testing. Allele origin: germline.
Comment: This variant is classified as likely benign based on ACMG/AMP sequence variant interpretation guidelines (Richards et al. 2015 PMID: 25741868, with internal and published modifications).